The following is an entry in ClinVar:

ClinVar aggregate classification (germline): Uncertain significance (1 of 4 stars; one submission).

Conditions:
Emery-Dreifuss muscular dystrophy 4, autosomal dominant (EDMD4). Also called: EMERY-DREIFUSS MUSCULAR DYSTROPHY 4 WITH VARIABLE FEATURES. Identifiers: Orphanet 261, MedGen C2751807, MONDO:0013071, OMIM 612998.
Autosomal recessive ataxia, Beauce type. Also called: SYNE1-Related Autosomal Recessive Cerebellar Ataxia; Spinocerebellar ataxia, autosomal recessive 8; ATAXIA, RECESSIVE, OF BEAUCE; SYNE1 Deficiency. Identifiers: Orphanet 88644, MedGen C1853116, MONDO:0012549, OMIM 610743.

Allele frequency attached by ClinVar (database versions not stated): gnomAD exomes below 0.00001; TOPMed 0.00001; ESP Exome Variant Server 0.00008.
gnomAD v4.1: 4 of 1,614,112 alleles (0.00025%); highest among the groups gnomAD compares: Non-Finnish European, 0.00034%; no homozygotes.

Submission:

Labcorp Genetics (formerly Invitae), Labcorp
Classification: Uncertain significance for Emery-Dreifuss muscular dystrophy 4, autosomal dominant; Autosomal recessive ataxia, Beauce type. Last evaluated: 2024-02-24. Review status: criteria provided, single submitter. Criteria: Invitae Variant Classification Sherloc (09022015). Collection method: clinical testing. Allele origin: germline.
Comment: This sequence change replaces lysine, which is basic and polar, with arginine, which is basic and polar, at codon 1035 of the SYNE1 protein (p.Lys1035Arg). This variant is not present in population databases (gnomAD no frequency). This variant has not been reported in the literature in individuals affected with SYNE1-related conditions. ClinVar contains an entry for this variant (Variation ID: 1367620). An algorithm developed to predict the effect of missense changes on protein structure and function (PolyPhen-2) suggests that this variant is likely to be tolerated. In summary, the available evidence is currently insufficient to determine the role of this variant in disease. Therefore, it has been classified as a Variant of Uncertain Significance.

NM_182961.4(SYNE1):c.3083A>G (p.Lys1028Arg)

Gene: SYNE1 (spectrin repeat containing nuclear envelope protein 1; minus strand). Cytogenetic location: 6q25.2.
Variant type: single nucleotide variant.
Coding change: c.3083A>G on transcript NM_182961.4 (MANE Select); coding-DNA position 3083, A replaced by G.
Protein change: p.Lys1028Arg; replaces lysine 1028 with arginine.
Molecular consequence: missense variant.
Genome position (GRCh38, 1-based): chr6:152,451,150, T>C on the plus strand (A>G on the coding strand, the complement: SYNE1 is on the minus strand). VCF-style: chr6-152451150-T-C. GRCh37 (hg19) VCF-style: chr6-152772285-T-C.
Other names: c.3104A>G, p.Lys1035Arg (NM_033071.5); short protein forms K1028R, K1035R.
Identifiers: ClinVar variation 1367620 (VCV001367620.6), dbSNP rs369619658, ClinGen allele CA150238028.